The following is an entry in ClinVar:

NM_000059.4(BRCA2):c.7388A>G (p.Asn2463Ser)

Gene: BRCA2 (BRCA2 DNA repair associated; plus strand). Cytogenetic location: 13q13.1.
Variant type: single nucleotide variant.
Coding change: c.7388A>G on transcript NM_000059.4 (MANE Select); coding-DNA position 7388, A replaced by G.
Protein change: p.Asn2463Ser; replaces asparagine 2463 with serine.
Molecular consequence: missense variant.
Genome position (GRCh38, 1-based): chr13:32,355,241, A>G. VCF-style: chr13-32355241-A-G. GRCh37 (hg19) VCF-style: chr13-32929378-A-G.
Other names: short protein forms N2463S.
Identifiers: ClinVar variation 827008 (VCV000827008.7), dbSNP rs1593918551, ClinGen allele CA387741749.
Genomic context (GRCh38, chr13:32,355,241, plus strand): 5'-ATGATAGTAAAAATAAGATTAATGACAATGAGATTCATCAGTTTAACAAAAACAACTCCA[A>G]TCAAGCAGTAGCTGTAACTTTCACAAAGTGTGAAGAAGAACCTTTAGGTATTGTATGACA-3'
Protein context (NP_000050.3, residues 2453-2473): EIHQFNKNNS[Asn2463Ser]QAVAVTFTKC

ClinVar aggregate classification (germline): Conflicting classifications of pathogenicity. Review status: criteria provided, conflicting classifications (1 of 4 stars). 2 submissions from 2 submitters: Uncertain significance (1); Likely benign (1). Last evaluated 2025-04-20.

Conditions:
Hereditary cancer-predisposing syndrome. Also called: Neoplastic Syndromes, Hereditary; Tumor predisposition; Hereditary neoplastic syndrome; Hereditary Cancer Syndrome. Identifiers: Orphanet 140162, MedGen C0027672, MeSH D009386, MONDO:0015356.
Hereditary breast ovarian cancer syndrome. Also called: Hereditary breast and ovarian cancer syndrome; Hereditary breast and ovarian cancer; Hereditary breast and ovarian cancer syndrome (HBOC); Breast and ovarian cancer; Hereditary breast and/or ovarian cancer syndrome; BRCA1- and BRCA2-Associated Hereditary Breast and Ovarian Cancer. Identifiers: Orphanet 145, MedGen C0677776, MeSH D061325, MONDO:0003582. Disease mechanism: loss of function.

Allele frequency attached by ClinVar (database versions not stated): gnomAD exomes below 0.00001; gnomAD 0.00001.
gnomAD v4.1: 2 of 1,613,044 alleles (0.00012%); highest among the groups gnomAD compares: South Asian, 0.0022%; no homozygotes.

Submissions (2):

Labcorp Genetics (formerly Invitae), Labcorp
Classification: Uncertain significance for Hereditary breast ovarian cancer syndrome. Last evaluated: 2025-04-20. Review status: criteria provided, single submitter. Criteria: Invitae Variant Classification Sherloc (09022015). Collection method: clinical testing. Allele origin: germline.
Comment: This sequence change replaces asparagine, which is neutral and polar, with serine, which is neutral and polar, at codon 2463 of the BRCA2 protein (p.Asn2463Ser). This variant is not present in population databases (gnomAD no frequency). This variant has not been reported in the literature in individuals affected with BRCA2-related conditions. ClinVar contains an entry for this variant (Variation ID: 827008). Invitae Evidence Modeling of protein sequence and biophysical properties (such as structural, functional, and spatial information, amino acid conservation, physicochemical variation, residue mobility, and thermodynamic stability) indicates that this missense variant is not expected to disrupt BRCA2 protein function with a negative predictive value of 95%. In summary, the available evidence is currently insufficient to determine the role of this variant in disease. Therefore, it has been classified as a Variant of Uncertain Significance.

Ambry Genetics
Classification: Likely benign for Hereditary cancer-predisposing syndrome. Last evaluated: 2024-02-08. Review status: criteria provided, single submitter. Criteria: Ambry Variant Classification Scheme 2023. Collection method: clinical testing. Allele origin: germline.